The following is an entry in ClinVar:

NM_001367624.2(ZNF469):c.5534C>T (p.Pro1845Leu)

Gene: ZNF469 (zinc finger protein 469; plus strand). Cytogenetic location: 16q24.2.
Variant type: single nucleotide variant.
Coding change: c.5534C>T on transcript NM_001367624.2 (MANE Select); coding-DNA position 5534, C replaced by T.
Protein change: p.Pro1845Leu; replaces proline 1845 with leucine.
Molecular consequence: missense variant.
Genome position (GRCh38, 1-based): chr16:88,433,004, C>T. VCF-style: chr16-88433004-C-T. GRCh37 (hg19) VCF-style: chr16-88499412-C-T.
Other names: NM_001127464.1:c.5450C>T; short protein forms P1845L.
Identifiers: ClinVar variation 1747611 (VCV001747611.3), dbSNP rs1402736643, ClinGen allele CA397101453.

ClinVar aggregate classification (germline): Uncertain significance (1 of 4 stars; one submission).

Conditions:
Cardiovascular phenotype. Identifiers: MedGen CN230736.

gnomAD v4.1: 7 of 1,550,418 alleles (0.00045%); highest among the groups gnomAD compares: Non-Finnish European, 0.00061%; no homozygotes.

Submission:

Ambry Genetics
Classification: Uncertain significance for Cardiovascular phenotype. Last evaluated: 2025-02-04. Review status: criteria provided, single submitter. Criteria: Ambry Variant Classification Scheme 2023. Collection method: clinical testing. Allele origin: germline.
Comment: The p.P1817L variant (also known as c.5450C>T), located in coding exon 2 of the ZNF469 gene, results from a C to T substitution at nucleotide position 5450. The proline at codon 1817 is replaced by leucine, an amino acid with similar properties. This amino acid position is conserved. In addition, this alteration is predicted to be tolerated by in silico analysis. Since supporting evidence is limited at this time, the clinical significance of this alteration remains unclear.